The following is an entry in ClinVar:

NM_004187.5(KDM5C):c.2448G>C (p.Lys816Asn)

Gene: KDM5C (lysine demethylase 5C; minus strand). Cytogenetic location: Xp11.22.
Variant type: single nucleotide variant.
Coding change: c.2448G>C on transcript NM_004187.5 (MANE Select); coding-DNA position 2448, G replaced by C.
Protein change: p.Lys816Asn; replaces lysine 816 with asparagine.
Molecular consequence: missense variant. On other transcripts: non-coding transcript variant (3).
Genome position (GRCh38, 1-based): chrX:53,198,558, C>G on the plus strand (G>C on the coding strand, the complement: KDM5C is on the minus strand). VCF-style: chrX-53198558-C-G. GRCh37 (hg19) VCF-style: chrX-53227740-C-G.
Other names: c.2247G>C, p.Lys749Asn (NM_001146702.2); c.2445G>C, p.Lys815Asn (NM_001282622.3, NM_001353979.2, NM_001353982.2); c.2448G>C, p.Lys816Asn (NM_001353978.3, NM_001353981.2, NM_001353984.2); c.2448G>C (NM_004187.4); short protein forms K749N, K815N, K816N.
Identifiers: ClinVar variation 1314528 (VCV001314528.6), dbSNP rs1556839520, ClinGen allele CA413117617.
Genomic context (GRCh38, chrX:53,198,558, plus strand): 5'-CTGGCCGCTGACCAGTCCCAGAGCTCGGGACACGCAAGCCTCTGCCTCACTCAGGCAGTT[C>G]TTTAGTTGCTGCAGCAGCTCACTATTAGGAAACCTCCGCTCACGGGCTTCAGACTCTAGT-3'
Protein context (NP_004178.2, residues 806-826): FPNSELLQQL[Lys816Asn]NCLSEAEACV

ClinVar aggregate classification (germline): Uncertain significance. Review status: criteria provided, multiple submitters, no conflicts (2 of 4 stars). 2 submissions from 2 submitters: Uncertain significance (2). Last evaluated 2024-05-06.

Allele frequency attached by ClinVar (database versions not stated): gnomAD exomes 0.00001 and 0.00002.
gnomAD v4.1: 7 of 1,211,166 alleles (0.00058%); highest among the groups gnomAD compares: Non-Finnish European, 0.00067%; no homozygotes.

Submissions (2):

GeneDx
Classification: Uncertain significance. Last evaluated: 2024-05-06. Review status: criteria provided, single submitter. Criteria: GeneDx Variant Classification Process June 2021. Collection method: clinical testing. Allele origin: germline. Affected: yes.
Comment: In silico analysis indicates that this missense variant does not alter protein structure/function; Has not been previously published as pathogenic or benign to our knowledge

Greenwood Genetic Center Diagnostic Laboratories, Greenwood Genetic Center
Classification: Uncertain significance. Last evaluated: 2022-11-22. Review status: criteria provided, single submitter. Criteria: ACMG Guidelines, 2015. Collection method: clinical testing. Allele origin: germline. Affected: yes.
Comment: PM2